The following is an entry in ClinVar:

NM_000179.3(MSH6):c.803A>G (p.Asp268Gly)

Gene: MSH6 (mutS homolog 6; plus strand). Cytogenetic location: 2p16.3.
Variant type: single nucleotide variant.
Coding change: c.803A>G on transcript NM_000179.3 (MANE Select); coding-DNA position 803, A replaced by G.
Protein change: p.Asp268Gly; replaces aspartic acid 268 with glycine.
Molecular consequence: missense variant. On other transcripts: 5 prime UTR variant (9), non-coding transcript variant (4), intron variant (1).
Genome position (GRCh38, 1-based): chr2:47,798,786, A>G. VCF-style: chr2-47798786-A-G. GRCh37 (hg19) VCF-style: chr2-48025925-A-G.
Other names: c.413A>G, p.Asp138Gly (NM_001281492.2); c.-104A>G (NM_001281493.2, NM_001281494.2, NM_001406811.1 and 6 more transcripts); c.899A>G, p.Asp300Gly (NM_001406795.1, NM_001406802.1); c.803A>G, p.Asp268Gly (NM_001406796.1, NM_001406798.1, NM_001406800.1 and 4 more transcripts); c.506A>G, p.Asp169Gly (NM_001406797.1, NM_001406801.1, NM_001406805.1 and 10 more transcripts); c.278A>G, p.Asp93Gly (NM_001406799.1, NM_001406806.1, NM_001406807.1); c.725A>G, p.Asp242Gly (NM_001406804.1); c.809A>G, p.Asp270Gly (NM_001406813.1); and 2 more; short protein forms D138G, D169G, D212G, D242G, D268G, D270G, D300G, D93G.
Identifiers: ClinVar variation 3230593 (VCV003230593.1), dbSNP rs2104298516, ClinGen allele CA346740342.

ClinVar aggregate classification (germline): Uncertain significance (1 of 4 stars; one submission).

Conditions:
Hereditary cancer-predisposing syndrome. Also called: Neoplastic Syndromes, Hereditary; Tumor predisposition; Hereditary neoplastic syndrome; Hereditary Cancer Syndrome. Identifiers: Orphanet 140162, MedGen C0027672, MeSH D009386, MONDO:0015356.

Submission:

Ambry Genetics
Classification: Uncertain significance for Hereditary cancer-predisposing syndrome. Last evaluated: 2023-09-23. Review status: criteria provided, single submitter. Criteria: Ambry Variant Classification Scheme 2023. Collection method: clinical testing. Allele origin: germline.
Comment: The p.D268G variant (also known as c.803A>G), located in coding exon 4 of the MSH6 gene, results from an A to G substitution at nucleotide position 803. The aspartic acid at codon 268 is replaced by glycine, an amino acid with similar properties. This amino acid position is conserved. In addition, the in silico prediction for this alteration is inconclusive. Since supporting evidence is limited at this time, the clinical significance of this alteration remains unclear.